The following is an entry in ClinVar:

NM_000262.3(NAGA):c.1085G>A (p.Gly362Glu)

Gene: NAGA (alpha-N-acetylgalactosaminidase; minus strand). Cytogenetic location: 22q13.2.
Variant type: single nucleotide variant.
Coding change: c.1085G>A on transcript NM_000262.3 (MANE Select); coding-DNA position 1085, G replaced by A.
Protein change: p.Gly362Glu; replaces glycine 362 with glutamic acid.
Molecular consequence: missense variant.
Genome position (GRCh38, 1-based): chr22:42,060,940, C>T on the plus strand (G>A on the coding strand, the complement: NAGA is on the minus strand). VCF-style: chr22-42060940-C-T. GRCh37 (hg19) VCF-style: chr22-42456944-C-T.
Other names: c.1085G>A, p.Gly362Glu (NM_001362848.1, NM_001362850.1); short protein forms G362E.
Identifiers: ClinVar variation 1382047 (VCV001382047.3), dbSNP rs199980021, ClinGen allele CA10263609.

ClinVar aggregate classification (germline): Uncertain significance (1 of 4 stars; one submission).

Conditions:
Alpha-N-acetylgalactosaminidase deficiency type 1. Also called: SCHINDLER DISEASE, TYPE I; NAGA DEFICIENCY, TYPE I; NEUROAXONAL DYSTROPHY, SCHINDLER TYPE; ALPHA-N-ACETYLGALACTOSAMINIDASE DEFICIENCY, TYPE I. Identifiers: Orphanet 3137, Orphanet 79279, Orphanet 79281, MedGen C1836544, MONDO:0012221, OMIM 609241.

Allele frequency attached by ClinVar (database versions not stated): gnomAD 0.00001; gnomAD exomes 0.00001 and 0.00002; TOPMed 0.00003.
gnomAD v4.1: 12 of 1,614,024 alleles (0.00074%); highest among the groups gnomAD compares: Admixed American, 0.01%; no homozygotes.

Submission:

Labcorp Genetics (formerly Invitae), Labcorp
Classification: Uncertain significance for Alpha-N-acetylgalactosaminidase deficiency type 1. Last evaluated: 2022-03-22. Review status: criteria provided, single submitter. Criteria: Invitae Variant Classification Sherloc (09022015). Collection method: clinical testing. Allele origin: germline.
Comment: This sequence change replaces glycine, which is neutral and non-polar, with glutamic acid, which is acidic and polar, at codon 362 of the NAGA protein (p.Gly362Glu). This variant is present in population databases (rs199980021, gnomAD 0.009%). This variant has not been reported in the literature in individuals affected with NAGA-related conditions. Algorithms developed to predict the effect of missense changes on protein structure and function output the following: SIFT: "Tolerated"; PolyPhen-2: "Benign"; Align-GVGD: "Class C0". The glutamic acid amino acid residue is found in multiple mammalian species, which suggests that this missense change does not adversely affect protein function. In summary, the available evidence is currently insufficient to determine the role of this variant in disease. Therefore, it has been classified as a Variant of Uncertain Significance.